The following is an entry in ClinVar:

ClinVar aggregate classification (germline): Uncertain significance (1 of 4 stars; one submission).

Allele frequency attached by ClinVar (database versions not stated): gnomAD exomes below 0.00001; gnomAD 0.00001; TOPMed 0.00001.
gnomAD v4.1: 3 of 1,552,162 alleles (0.00019%); highest among the groups gnomAD compares: African/African-American, 0.0014%; no homozygotes.

Submission:

GeneDx
Classification: Uncertain significance. Last evaluated: 2022-09-26. Review status: criteria provided, single submitter. Criteria: GeneDx Variant Classification Process June 2021. Collection method: clinical testing. Allele origin: germline. Affected: yes.
Comment: Has not been previously published as pathogenic or benign to our knowledge; Not observed at significant frequency in large population cohorts (gnomAD); In silico analysis supports that this missense variant does not alter protein structure/function

NM_001852.4(COL9A2):c.145A>G (p.Ile49Val)

Gene: COL9A2 (collagen type IX alpha 2 chain; minus strand). Cytogenetic location: 1p34.2.
Variant type: single nucleotide variant.
Coding change: c.145A>G on transcript NM_001852.4 (MANE Select); coding-DNA position 145, A replaced by G.
Protein change: p.Ile49Val; replaces isoleucine 49 with valine.
Molecular consequence: missense variant.
Genome position (GRCh38, 1-based): chr1:40,315,595, T>C on the plus strand (A>G on the coding strand, the complement: COL9A2 is on the minus strand). VCF-style: chr1-40315595-T-C. GRCh37 (hg19) VCF-style: chr1-40781267-T-C.
Other names: short protein forms I49V.
Identifiers: ClinVar variation 1706810 (VCV001706810.2), dbSNP rs1039768544, ClinGen allele CA21042438.